The following is an entry in ClinVar:

NM_001278000.3(LPAR4):c.425A>G (p.Tyr142Cys)

Gene: LPAR4 (lysophosphatidic acid receptor 4; plus strand). Cytogenetic location: Xq21.1.
Variant type: single nucleotide variant.
Coding change: c.425A>G on transcript NM_001278000.3 (MANE Select); coding-DNA position 425, A replaced by G.
Protein change: p.Tyr142Cys; replaces tyrosine 142 with cysteine.
Molecular consequence: missense variant.
Genome position (GRCh38, 1-based): chrX:78,755,294, A>G. VCF-style: chrX-78755294-A-G. GRCh37 (hg19) VCF-style: chrX-78010791-A-G.
Other names: c.425A>G, p.Tyr142Cys (NM_005296.3); short protein forms Y142C.
Identifiers: ClinVar variation 5023637 (VCV005023637.1).
Genomic context (GRCh38, chrX:78,755,294, plus strand): 5'-TCTATGGGAGCATGCTCTTTCTCACCTGTATTAGTGTGGATCGTTTCCTGGCCATTGTCT[A>G]TCCTTTTCGATCTCGTACTATTAGGACTAGGAGGAATTCTGCCATTGTGTGTGCTGGTGT-3'
Protein context (NP_001264929.1, residues 132-152): ISVDRFLAIV[Tyr142Cys]PFRSRTIRTR

ClinVar aggregate classification (germline): Uncertain significance (1 of 4 stars; one submission).

gnomAD v4.1: 2 of 1,207,044 alleles (0.00017%); highest among the groups gnomAD compares: Non-Finnish European, 0.00011%; no homozygotes.

Submission:

Ambry Genetics
Classification: Uncertain significance. Last evaluated: 2026-06-24. Review status: criteria provided, single submitter. Criteria: Ambry Variant Classification Scheme 2023. Collection method: clinical testing. Allele origin: germline.
Comment: The c.425A>G (p.Y142C) alteration is located in exon 2 (coding exon 1) of the LPAR4 gene. This alteration results from a A to G substitution at nucleotide position 425, causing the tyrosine (Y) at amino acid position 142 to be replaced by a cysteine (C). Based on data from gnomAD, the G allele has an overall frequency of <0.001% (1/182771) total alleles studied. The highest observed frequency was 0.001% (1/81514) of European (non-Finnish) alleles. Based on insufficient or conflicting evidence, the clinical significance of this alteration remains unclear.